The following is an entry in ClinVar:

NM_016653.3(MAP3K20):c.282dup (p.Asn95Ter)

Gene: MAP3K20 (mitogen-activated protein kinase kinase kinase 20; plus strand). Cytogenetic location: 2q31.1.
Variant type: Duplication.
Coding change: c.282dup on transcript NM_016653.3 (MANE Select); coding-DNA position 282, one base duplicated (T; older notation c.282dupT).
Protein change: p.Asn95Ter; replaces asparagine 95 with a stop codon.
Molecular consequence: nonsense.
Genome position (GRCh38, 1-based): chr2:173,182,888, T duplicated; the last of 2 consecutive T bases (chr2:173,182,887-173,182,888); duplicating either gives the same sequence. VCF-style (leftmost placement, unchanged base first): chr2-173182886-A-AT. GRCh37 (hg19) VCF-style: chr2-174047614-A-AT.
Other names: c.282dup, p.Asn95Ter (NM_133646.3); short protein forms N95*.
Identifiers: ClinVar variation 446160 (VCV000446160.3), dbSNP rs1553576774, ClinGen allele CA658653756.

ClinVar aggregate classification (germline): Pathogenic/Likely pathogenic. Review status: no assertion criteria provided (0 of 4 stars). 2 submissions from 2 submitters: Pathogenic (1); Likely pathogenic (1). Last evaluated 2022-07-28.

Conditions:
Myopathy, centronuclear, 6, with fiber-type disproportion. Identifiers: MedGen C4540345, MONDO:0054695, OMIM 617760.
Split-foot malformation-mesoaxial polydactyly syndrome. Also called: Split-foot malformation with mesoaxial polydactyly. Identifiers: Orphanet 488232, MedGen C5567487, MONDO:0014816, OMIM 616890.

Submissions (2):

OMIM
Classification: Pathogenic for MYOPATHY, CENTRONUCLEAR, 6, WITH FIBER-TYPE DISPROPORTION. Last evaluated: 2022-07-28. Review status: no assertion criteria provided. Collection method: literature only. Allele origin: germline.

Solve-RD Consortium
Classification: Likely pathogenic for Split-foot malformation-mesoaxial polydactyly syndrome. Last evaluated: 2022-06-01. Review status: no assertion criteria provided. Collection method: provider interpretation. Allele origin: inherited. Affected: yes.
Comment: Variant confirmed as disease-causing by referring clinical team

Variant identified during reanalysis of unsolved cases by the Solve-RD project. The Solve-RD project has received funding from the European Union’s Horizon 2020 research and innovation programme under grant agreement No 779257.

Literature cited by the submitters: PubMed 27816943 (cited by OMIM); PubMed 39825153 (cited by Solve-RD Consortium).